The following is an entry in ClinVar:

NM_153816.6(SNX14):c.519dup (p.Ala174fs)

Gene: SNX14 (sorting nexin 14; minus strand). Cytogenetic location: 6q14.3.
Variant type: Duplication.
Coding change: c.519dup on transcript NM_153816.6 (MANE Select); coding-DNA position 519, one base duplicated (T; older notation c.519dupT).
Protein change: p.Ala174fs; shifts the reading frame from alanine 174.
Molecular consequence: frameshift variant. On other transcripts: non-coding transcript variant (5), intron variant (6), 5 prime UTR variant (6).
Genome position (GRCh38, 1-based): chr6:85,565,362, A duplicated on the plus strand (T on the coding strand, the reverse complement: SNX14 is on the minus strand); the first of 7 consecutive A bases (chr6:85,565,362-85,565,368); duplicating any one gives the same sequence. VCF-style (leftmost placement, unchanged base first): chr6-85565361-C-CA. GRCh37 (hg19) VCF-style: chr6-86275079-C-CA.
Other names: c.519dup, p.Ala174fs (NM_001297614.3, NM_001350538.2, NM_001350540.2 and 1 more transcripts); c.363dup, p.Ala122fs (NM_001304479.2, NM_001350544.2); c.582dup, p.Ala195fs (NM_001350532.2); c.516dup, p.Ala173fs (NM_001350533.2, NM_001350534.2, NM_001350535.2); c.360dup, p.Ala121fs (NM_001350539.2); c.258+6775dup (NM_001350543.2); c.261+6775dup (NM_001350542.2); c.414+6775dup (NM_001350537.2); and 7 more; short protein forms A121fs, A195fs, A122fs, A173fs, A174fs, A26fs.
Identifiers: ClinVar variation 5007104 (VCV005007104.2).
Genomic context (GRCh38, chr6:85,565,361, plus strand): 5'-AATTCCCAAATTTCTCATTAAAAATATATACCTTGTGAATCCTTCTTATTAAGACAGATG[C>CA]AAAAAAACGTAATGTTATTCTCAGTTCATCAACAAAGGATTCATCATCTGTCACATCCCT-3'

ClinVar aggregate classification (germline): Likely pathogenic (1 of 4 stars; one submission).

Conditions:
Autosomal recessive spinocerebellar ataxia 20. Identifiers: Orphanet 397709, MedGen C5190595, MONDO:0014601, OMIM 616354.

Submission:

Juno Genomics, Hangzhou Juno Genomics, Inc
Classification: Likely pathogenic for Autosomal recessive spinocerebellar ataxia 20. Review status: criteria provided, single submitter. Criteria: ACMG Guidelines, 2015. Collection method: clinical testing. Allele origin: germline.
Comment: Null variant in a gene where loss of function (LOF) is a known mechanism of disease.;Absent from controls (or at extremely low frequency if recessive) in Genome Aggregation Database.